The following is an entry in ClinVar:

NM_001321571.2(CAMK2D):c.620T>C (p.Leu207Pro)

Gene: CAMK2D (calcium/calmodulin dependent protein kinase II delta; minus strand). Cytogenetic location: 4q26.
Variant type: single nucleotide variant.
Coding change: c.620T>C on transcript NM_001321571.2 (MANE Select); coding-DNA position 620, T replaced by C.
Protein change: p.Leu207Pro; replaces leucine 207 with proline.
Molecular consequence: missense variant.
Genome position (GRCh38, 1-based): chr4:113,517,639, A>G on the plus strand (T>C on the coding strand, the complement: CAMK2D is on the minus strand). VCF-style: chr4-113517639-A-G. GRCh37 (hg19) VCF-style: chr4-114438795-A-G.
Other names: c.620T>C, p.Leu207Pro (NM_001321586.2, NM_001321587.2, NM_001321588.2 and 33 more transcripts); c.32T>C, p.Leu11Pro (NM_001321578.2, NM_001321585.2, NM_001399865.1); c.503T>C, p.Leu168Pro (NM_001321581.2, NM_001399859.1, NM_001399860.1 and 2 more transcripts); c.233T>C, p.Leu78Pro (NM_001399863.1, NM_001399864.1); short protein forms L207P, L78P, L11P, L168P.
Identifiers: ClinVar variation 5033660 (VCV005033660.1).

ClinVar aggregate classification (germline): Uncertain significance (1 of 4 stars; one submission).

Submission:

Ambry Genetics
Classification: Uncertain significance. Last evaluated: 2026-09-14. Review status: criteria provided, single submitter. Criteria: Ambry Variant Classification Scheme 2023. Collection method: clinical testing. Allele origin: germline.
Comment: The c.620T>C (p.L207P) alteration is located in exon 9 (coding exon 9) of the CAMK2D gene. This alteration results from a T to C substitution at nucleotide position 620, causing the leucine (L) at amino acid position 207 to be replaced by a proline (P). This variant was not reported in population-based cohorts in the Genome Aggregation Database (gnomAD). This amino acid position is highly conserved in available vertebrate species. This missense variant is located in a region that has a low rate of benign missense variation (Lek, 2016; Firth, 2009). This alteration is predicted to be deleterious by in silico analysis. Based on insufficient or conflicting evidence, the clinical significance of this alteration remains unclear.